The following is an entry in ClinVar:

NM_002485.5(NBN):c.222T>G (p.Tyr74Ter)

Gene: NBN (nibrin; minus strand). Cytogenetic location: 8q21.3.
Variant type: single nucleotide variant.
Coding change: c.222T>G on transcript NM_002485.5 (MANE Select); coding-DNA position 222, T replaced by G.
Protein change: p.Tyr74Ter; replaces tyrosine 74 with a stop codon.
Molecular consequence: nonsense. On other transcripts: 5 prime UTR variant (1).
Genome position (GRCh38, 1-based): chr8:89,981,473, A>C on the plus strand (T>G on the coding strand, the complement: NBN is on the minus strand). VCF-style: chr8-89981473-A-C. GRCh37 (hg19) VCF-style: chr8-90993701-A-C.
Other names: c.-25T>G (NM_001024688.3); short protein forms Y74*.
Identifiers: ClinVar variation 574500 (VCV000574500.6), dbSNP rs1563581193, ClinGen allele CA371662537.
Genomic context (GRCh38, chr8:89,981,473, plus strand): 5'-CCCCGACTTCAAAGTTCGGGAAAAGCCATTCTGCATTTTTTCCTCATTAACAAAGGTACC[A>C]TACTTAGAATTATCTTTTAATGTCAATACAGGGATTTCATCTGTTTGACTCTGAAAAGTT-3'

ClinVar aggregate classification (germline): Pathogenic (1 of 4 stars; one submission).

Conditions:
Microcephaly, normal intelligence and immunodeficiency (NBS). Also called: BERLIN BREAKAGE SYNDROME; Immunodeficiency, microcephaly with normal intelligence; Ataxia telangiectasia variant V1; Nijmegen breakage syndrome; Microcephaly with normal intelligence immunodeficiency and lymphoreticular malignancies; Nonsyndromal microcephaly autosomal recessive with normal intelligence. Identifiers: Orphanet 647, MedGen C0398791, MONDO:0009623, OMIM 251260.

Submission:

Labcorp Genetics (formerly Invitae), Labcorp
Classification: Pathogenic for Microcephaly, normal intelligence and immunodeficiency. Last evaluated: 2021-12-03. Review status: criteria provided, single submitter. Criteria: Invitae Variant Classification Sherloc (09022015). Collection method: clinical testing. Allele origin: germline.
Comment: This variant has not been reported in the literature in individuals affected with NBN-related conditions. This variant is not present in population databases (gnomAD no frequency). This sequence change creates a premature translational stop signal (p.Tyr74*) in the NBN gene. It is expected to result in an absent or disrupted protein product. Loss-of-function variants in NBN are known to be pathogenic (PMID: 9590180, 16415040). For these reasons, this variant has been classified as Pathogenic. ClinVar contains an entry for this variant (Variation ID: 574500).

Literature cited by the submitters: PubMed 9590180; PubMed 16415040.